The following is an entry in ClinVar:

ClinVar aggregate classification (germline): Uncertain significance (1 of 4 stars; one submission).

Allele frequency attached by ClinVar (database versions not stated): gnomAD exomes below 0.00001; TOPMed below 0.00001.
gnomAD v4.1: 6 of 1,613,366 alleles (0.00037%); highest among the groups gnomAD compares: Non-Finnish European, 0.00051%; no homozygotes.

Submission:

Labcorp Genetics (formerly Invitae), Labcorp
Classification: Uncertain significance. Last evaluated: 2023-08-04. Review status: criteria provided, single submitter. Criteria: Invitae Variant Classification Sherloc (09022015). Collection method: clinical testing. Allele origin: germline.
Comment: In summary, the available evidence is currently insufficient to determine the role of this variant in disease. Therefore, it has been classified as a Variant of Uncertain Significance. Advanced modeling of protein sequence and biophysical properties (such as structural, functional, and spatial information, amino acid conservation, physicochemical variation, residue mobility, and thermodynamic stability) performed at Invitae indicates that this missense variant is not expected to disrupt WISP3 protein function. ClinVar contains an entry for this variant (Variation ID: 1936032). This variant has not been reported in the literature in individuals affected with WISP3-related conditions. This variant is not present in population databases (gnomAD no frequency). This sequence change replaces threonine, which is neutral and polar, with isoleucine, which is neutral and non-polar, at codon 232 of the WISP3 protein (p.Thr232Ile).

NM_198239.2(CCN6):c.695C>T (p.Thr232Ile)

Gene: CCN6 (cellular communication network factor 6; plus strand). Cytogenetic location: 6q21.
Variant type: single nucleotide variant.
Coding change: c.695C>T on transcript NM_198239.2 (MANE Select); coding-DNA position 695, C replaced by T.
Protein change: p.Thr232Ile; replaces threonine 232 with isoleucine.
Molecular consequence: missense variant. On other transcripts: non-coding transcript variant (2).
Genome position (GRCh38, 1-based): chr6:112,068,310, C>T. VCF-style: chr6-112068310-C-T. GRCh37 (hg19) VCF-style: chr6-112389513-C-T.
Other names: c.695C>T, p.Thr232Ile (NM_003880.4); short protein forms T232I.
Identifiers: ClinVar variation 1936032 (VCV001936032.5), dbSNP rs1776760842, ClinGen allele CA365374861.